The following is an entry in ClinVar:

NM_001374828.1(ARID1B):c.1739G>A (p.Ser580Asn)

Gene: ARID1B (AT-rich interaction domain 1B; plus strand). Cytogenetic location: 6q25.3.
Variant type: single nucleotide variant.
Coding change: c.1739G>A on transcript NM_001374828.1 (MANE Select); coding-DNA position 1739, G replaced by A.
Protein change: p.Ser580Asn; replaces serine 580 with asparagine.
Molecular consequence: missense variant.
Genome position (GRCh38, 1-based): chr6:156,779,419, G>A. VCF-style: chr6-156779419-G-A. GRCh37 (hg19) VCF-style: chr6-157100553-G-A.
Other names: c.1490G>A, p.Ser497Asn (NM_001346813.1, NM_020732.3); c.1739G>A, p.Ser580Asn (NM_001371656.1, NM_001374820.1, NM_017519.3); c.1316G>A, p.Ser439Asn (NM_175863.2); short protein forms S439N, S497N, S580N.
Identifiers: ClinVar variation 2086000 (VCV002086000.28), dbSNP rs764716697, ClinGen allele CA4066790.
Genomic context (GRCh38, chr6:156,779,419, plus strand): 5'-AGGACATGGGCGCCCAGTACGCCGCTGCCAGCCCGGCCTGGGCGGCCGCGCAACAAAGGA[G>A]TCACCCGGCGATGAGCCCCGGCACCCCCGGACCGACCATGGGCAGATCCCAGGTAACCCT-3'
Protein context (NP_001361757.1, residues 570-590): SPAWAAAQQR[Ser580Asn]HPAMSPGTPG

ClinVar aggregate classification (germline): Likely benign. Review status: criteria provided, multiple submitters, no conflicts (2 of 4 stars). 2 submissions from 2 submitters: Likely benign (2). Last evaluated 2025-11-01.

Allele frequency attached by ClinVar (database versions not stated): gnomAD 0.00003; TOPMed 0.00004.
gnomAD v4.1: 31 of 1,465,760 alleles (0.0021%); highest among the groups gnomAD compares: Middle Eastern, 0.039%; no homozygotes.

Submissions (2):

Labcorp Genetics (formerly Invitae), Labcorp
Classification: Likely benign. Last evaluated: 2025-11-01. Review status: criteria provided, single submitter. Criteria: Invitae Variant Classification Sherloc (09022015). Collection method: clinical testing. Allele origin: germline.

CeGaT Center for Human Genetics Tuebingen
Classification: Likely benign. Last evaluated: 2023-12-01. Review status: criteria provided, single submitter. Criteria: CeGaT Center For Human Genetics Tuebingen Variant Classification Criteria Version 2. Collection method: clinical testing. Allele origin: germline. Affected: yes. Observed: 3 variant alleles.
Comment: ARID1B: BP1